The following is an entry in ClinVar:

NM_015135.3(NUP205):c.2768T>C (p.Ile923Thr)

Gene: NUP205 (nucleoporin 205; plus strand). Cytogenetic location: 7q33.
Variant type: single nucleotide variant.
Coding change: c.2768T>C on transcript NM_015135.3 (MANE Select); coding-DNA position 2768, T replaced by C.
Protein change: p.Ile923Thr; replaces isoleucine 923 with threonine.
Molecular consequence: missense variant.
Genome position (GRCh38, 1-based): chr7:135,604,405, T>C. VCF-style: chr7-135604405-T-C. GRCh37 (hg19) VCF-style: chr7-135289153-T-C.
Other names: c.2768T>C (NM_015135.2); c.1694T>C, p.Ile565Thr (NM_001329434.2); short protein forms I923T, I565T.
Identifiers: ClinVar variation 2091257 (VCV002091257.5), dbSNP rs1412990353, ClinGen allele CA369340876.

ClinVar aggregate classification (germline): Uncertain significance. Review status: criteria provided, multiple submitters, no conflicts (2 of 4 stars). 2 submissions from 2 submitters: Uncertain significance (2). Last evaluated 2023-12-15.

Allele frequency attached by ClinVar (database versions not stated): gnomAD exomes below 0.00001; TOPMed 0.00001.
gnomAD v4.1: 4 of 1,612,726 alleles (0.00025%); highest among the groups gnomAD compares: Non-Finnish European, 0.00034%; no homozygotes.

Submissions (2):

Ambry Genetics
Classification: Uncertain significance. Last evaluated: 2023-12-15. Review status: criteria provided, single submitter. Criteria: Ambry Variant Classification Scheme 2023. Collection method: clinical testing. Allele origin: germline.

Labcorp Genetics (formerly Invitae), Labcorp
Classification: Uncertain significance. Last evaluated: 2022-07-02. Review status: criteria provided, single submitter. Criteria: Invitae Variant Classification Sherloc (09022015). Collection method: clinical testing. Allele origin: germline.
Comment: In summary, the available evidence is currently insufficient to determine the role of this variant in disease. Therefore, it has been classified as a Variant of Uncertain Significance. Algorithms developed to predict the effect of missense changes on protein structure and function (SIFT, PolyPhen-2, Align-GVGD) all suggest that this variant is likely to be disruptive. This variant has not been reported in the literature in individuals affected with NUP205-related conditions. This variant is not present in population databases (gnomAD no frequency). This sequence change replaces isoleucine, which is neutral and non-polar, with threonine, which is neutral and polar, at codon 923 of the NUP205 protein (p.Ile923Thr).